The following is an entry in ClinVar:

ClinVar aggregate classification (germline): Uncertain significance (1 of 4 stars; one submission).

Conditions:
Congenital primary aphakia. Also called: ANTERIOR SEGMENT DYSGENESIS 2; Anterior segment dysgenesis 2, multiple subtypes. Identifiers: Orphanet 83461, MedGen C1853230, MONDO:0012456, OMIM 610256.
Anterior segment dysgenesis. Also called: Ocular anterior segment dysgenesis. Identifiers: Orphanet 88632, MedGen C1862839, MONDO:0019503, HP:0007700.

Allele frequency attached by ClinVar (database versions not stated): gnomAD exomes below 0.00001.
gnomAD v4.1: 1 of 1,609,492 alleles (0.000062%); highest among the groups gnomAD compares: Non-Finnish European, 0.000085%; no homozygotes.

Submission:

Labcorp Genetics (formerly Invitae), Labcorp
Classification: Uncertain significance for Anterior segment dysgenesis; Congenital primary aphakia. Last evaluated: 2022-09-17. Review status: criteria provided, single submitter. Criteria: Invitae Variant Classification Sherloc (09022015). Collection method: clinical testing. Allele origin: germline.
Comment: In summary, the available evidence is currently insufficient to determine the role of this variant in disease. Therefore, it has been classified as a Variant of Uncertain Significance. Advanced modeling of protein sequence and biophysical properties (such as structural, functional, and spatial information, amino acid conservation, physicochemical variation, residue mobility, and thermodynamic stability) performed at Invitae indicates that this missense variant is expected to disrupt FOXE3 protein function. ClinVar contains an entry for this variant (Variation ID: 1382581). This variant has not been reported in the literature in individuals affected with FOXE3-related conditions. This variant is not present in population databases (gnomAD no frequency). This sequence change replaces leucine, which is neutral and non-polar, with proline, which is neutral and non-polar, at codon 125 of the FOXE3 protein (p.Leu125Pro).

NM_012186.3(FOXE3):c.374T>C (p.Leu125Pro)

Genes: FOXE3 (forkhead box E3; plus strand), LINC01389 (long independently transcribed non-coding RNA 1389; minus strand). Cytogenetic location: 1p33.
Variant type: single nucleotide variant.
Coding change: c.374T>C on transcript NM_012186.3 (MANE Select); coding-DNA position 374, T replaced by C.
Protein change: p.Leu125Pro; replaces leucine 125 with proline.
Molecular consequence: missense variant.
Genome position (GRCh38, 1-based): chr1:47,416,689, T>C. VCF-style: chr1-47416689-T-C. GRCh37 (hg19) VCF-style: chr1-47882361-T-C.
Other names: short protein forms L125P.
Identifiers: ClinVar variation 1382581 (VCV001382581.6), dbSNP rs2124042635, ClinGen allele CA340249772.